The following is an entry in ClinVar:

ClinVar aggregate classification (germline): Pathogenic (1 of 4 stars; one submission).

Conditions:
Jeune thoracic dystrophy. Also called: Jeune syndrome; Infantile thoracic dystrophy; Thoracic pelvic phalangeal dystrophy; Jeune's syndrome; Chondroectodermal dysplasia-like syndrome; Short-rib thoracic dysplasia. Identifiers: Orphanet 474, MedGen C0265275, MONDO:0018770.

Submission:

Labcorp Genetics (formerly Invitae), Labcorp
Classification: Pathogenic for Jeune thoracic dystrophy. Last evaluated: 2024-02-17. Review status: criteria provided, single submitter. Criteria: Invitae Variant Classification Sherloc (09022015). Collection method: clinical testing. Allele origin: germline.
Comment: This sequence change affects a donor splice site in intron 33 of the DYNC2H1 gene. It is expected to disrupt RNA splicing. Variants that disrupt the donor or acceptor splice site typically lead to a loss of protein function (PMID: 16199547), and loss-of-function variants in DYNC2H1 are known to be pathogenic (PMID: 23339108, 32753734, 33755199). This variant is not present in population databases (gnomAD no frequency). Disruption of this splice site has been observed in individual(s) with short-rib polydactyly syndrome (PMID: 19361615). In at least one individual the data is consistent with being in trans (on the opposite chromosome) from a pathogenic variant. Algorithms developed to predict the effect of sequence changes on RNA splicing suggest that this variant may disrupt the consensus splice site. For these reasons, this variant has been classified as Pathogenic.

Literature cited by the submitters: PubMed 16199547; PubMed 23339108; PubMed 32753734; PubMed 33755199; PubMed 19361615.

NM_001377.3(DYNC2H1):c.5151+1G>C

Gene: DYNC2H1 (dynein cytoplasmic 2 heavy chain 1; plus strand). Cytogenetic location: 11q22.3.
Variant type: single nucleotide variant.
Coding change: c.5151+1G>C on transcript NM_001377.3 (MANE Select); the canonical splice donor site of the intron after coding-DNA position 5151, G replaced by C.
Molecular consequence: splice donor variant.
Genome position (GRCh38, 1-based): chr11:103,170,291, G>C. VCF-style: chr11-103170291-G-C. GRCh37 (hg19) VCF-style: chr11-103041020-G-C.
Other names: c.5151+1G>C (NM_001080463.2).
Identifiers: ClinVar variation 3641710 (VCV003641710.2).